The following is an entry in ClinVar:

NM_000256.3(MYBPC3):c.3210G>C (p.Gln1070His)

Gene: MYBPC3 (myosin binding protein C3; minus strand). Cytogenetic location: 11p11.2.
Variant type: single nucleotide variant.
Coding change: c.3210G>C on transcript NM_000256.3 (MANE Select); coding-DNA position 3210, G replaced by C.
Protein change: p.Gln1070His; replaces glutamine 1070 with histidine.
Molecular consequence: missense variant.
Genome position (GRCh38, 1-based): chr11:47,333,314, C>G on the plus strand (G>C on the coding strand, the complement: MYBPC3 is on the minus strand). VCF-style: chr11-47333314-C-G. GRCh37 (hg19) VCF-style: chr11-47354865-C-G.
Other names: short protein forms Q1070H.
Identifiers: ClinVar variation 845417 (VCV000845417.16), dbSNP rs1164619452, ClinGen allele CA380314486.

ClinVar aggregate classification (germline): Uncertain significance. Review status: criteria provided, multiple submitters, no conflicts (2 of 4 stars). 4 submissions from 4 submitters: Uncertain significance (4). Last evaluated 2026-04-07.

Conditions:
Hypertrophic cardiomyopathy. Also called: HYPERTROPHIC MYOCARDIOPATHY. Identifiers: Orphanet 217569, MedGen C0007194, MeSH D002312, MONDO:0005045, HP:0001639.
MYBPC3-related disorder. Also called: MYBPC3-related condition; MYBPC3-related disease; MYBPC3-related disorders.
Cardiomyopathy (CMYO). Also called: Cardiomyopathies. Identifiers: Orphanet 167848, MedGen C0878544, MONDO:0004994, HP:0001638. Inheritance: Various modes of inheritance.

Allele frequency attached by ClinVar (database versions not stated): TOPMed below 0.00001; gnomAD 0.00001; gnomAD exomes 0.00001.
gnomAD v4.1: 15 of 1,583,490 alleles (0.00095%); highest among the groups gnomAD compares: Non-Finnish European, 0.0013%; no homozygotes.

Submissions (4):

PreventionGenetics, part of Exact Sciences
Classification: Uncertain significance for MYBPC3-related condition. Last evaluated: 2026-04-07. Review status: criteria provided, single submitter. Criteria: ACMG Guidelines, 2015. Collection method: clinical testing. Allele origin: germline.
Comment: The MYBPC3 c.3210G>C variant is predicted to result in the amino acid substitution p.Gln1070His. To our knowledge, this variant has not been reported in the literature or in a large population database (gnomAD), indicating this variant is rare. At this time, the clinical significance of this variant is uncertain due to the absence of conclusive functional and genetic evidence.

Color Diagnostics, LLC DBA Color Health
Classification: Uncertain significance for Cardiomyopathy. Last evaluated: 2024-03-06. Review status: criteria provided, single submitter. Criteria: ACMG Guidelines, 2015. Collection method: clinical testing. Allele origin: germline.
Comment: This missense variant replaces glutamine with histidine at codon 1070 of the MYBPC3 protein. Computational prediction suggests that this variant may not impact protein structure and function (internally defined REVEL score threshold <= 0.5, PMID: 27666373). To our knowledge, functional studies have not been reported for this variant. This variant has not been reported in individuals affected with MYBPC3-related disorders in the literature. This variant has not been identified in the general population by the Genome Aggregation Database (gnomAD). The available evidence is insufficient to determine the role of this variant in disease conclusively. Therefore, this variant is classified as a Variant of Uncertain Significance.

All of Us Research Program, National Institutes of Health
Classification: Uncertain significance for Hypertrophic cardiomyopathy. Last evaluated: 2023-09-05. Review status: criteria provided, single submitter. Criteria: ACMG Guidelines, 2015. Collection method: clinical testing. Allele origin: germline. Inheritance: Autosomal dominant inheritance. Observed: 4 variant alleles, 4 heterozygotes.
Comment: Variant of Uncertain Significance due to insufficient evidence: This missense variant is located in the fibronectin type 3 domain C9 of the MYBPC3 protein. Computational prediction tools and conservation analyses are inconclusive regarding the impact of this variant on the protein function. Computational splicing tools suggest that this variant may not impact RNA splicing. To our knowledge, functional assays have not been performed for this variant nor has this variant been reported in individuals affected with cardiovascular disorders in the literature. This variant is rare in the general population and has been identified in 0/277264 chromosomes by the Genome Aggregation Database (gnomAD). Available evidence is insufficient to determine the role of this variant in disease conclusively.

This study involves interpretation of variants in research participants for the purpose of population health screening. Participant phenotype was not available at the time of variant classification. Additional details can be found in publication PMID: 35346344, PMCID: PMC8962531

Labcorp Genetics (formerly Invitae), Labcorp
Classification: Uncertain significance for Hypertrophic cardiomyopathy. Last evaluated: 2020-12-15. Review status: criteria provided, single submitter. Criteria: Invitae Variant Classification Sherloc (09022015). Collection method: clinical testing. Allele origin: germline.
Comment: Algorithms developed to predict the effect of missense changes on protein structure and function are either unavailable or do not agree on the potential impact of this missense change (SIFT: "Deleterious"; PolyPhen-2: "Benign"; Align-GVGD: "Class C0"). In summary, the available evidence is currently insufficient to determine the role of this variant in disease. Therefore, it has been classified as a Variant of Uncertain Significance. This variant has been observed in individual(s) with clinical features of MYBPC3-related disease (Invitae). ClinVar contains an entry for this variant (Variation ID: 845417). This variant is not present in population databases (ExAC no frequency). This sequence change replaces glutamine with histidine at codon 1070 of the MYBPC3 protein (p.Gln1070His). The glutamine residue is highly conserved and there is a small physicochemical difference between glutamine and histidine.